The following is an entry in ClinVar:

NM_001040142.2(SCN2A):c.4948C>T (p.Leu1650Phe)

Gene: SCN2A (sodium voltage-gated channel alpha subunit 2; plus strand). Cytogenetic location: 2q24.3.
Variant type: single nucleotide variant.
Coding change: c.4948C>T on transcript NM_001040142.2 (MANE Select); coding-DNA position 4948, C replaced by T.
Protein change: p.Leu1650Phe; replaces leucine 1650 with phenylalanine.
Molecular consequence: missense variant.
Genome position (GRCh38, 1-based): chr2:165,388,754, C>T. VCF-style: chr2-165388754-C-T. GRCh37 (hg19) VCF-style: chr2-166245264-C-T.
Other names: c.4948C>T, p.Leu1650Phe (NM_001040143.2, NM_001371246.1, NM_001371247.1 and 1 more transcripts); short protein forms L1650F.
Identifiers: ClinVar variation 1013421 (VCV001013421.38), dbSNP rs1702008323, ClinGen allele CA349037845.

ClinVar aggregate classification (germline): Pathogenic (1 of 4 stars; one submission).

Submission:

CeGaT Center for Human Genetics Tuebingen
Classification: Pathogenic. Last evaluated: 2023-10-01. Review status: criteria provided, single submitter. Criteria: CeGaT Center For Human Genetics Tuebingen Variant Classification Criteria Version 2. Collection method: clinical testing. Allele origin: germline. Affected: yes. Observed: 2 variant alleles.
Comment: SCN2A: PP1:Strong, PM1, PM2, PM5, PP3